The following is an entry in ClinVar:

NM_001352514.2(HLCS):c.1942del (p.Arg648fs)

Gene: HLCS (holocarboxylase synthetase; minus strand). Cytogenetic location: 21q22.13.
Variant type: Deletion.
Coding change: c.1942del on transcript NM_001352514.2 (MANE Select); coding-DNA position 1942, one base deleted (C; older notation c.1942delC).
Protein change: p.Arg648fs; shifts the reading frame from arginine 648.
Molecular consequence: frameshift variant. On other transcripts: non-coding transcript variant (2).
Genome position (GRCh38, 1-based): chr21:36,767,236, G deleted on the plus strand (C on the coding strand, the reverse complement: HLCS is on the minus strand); the first of 3 consecutive G bases (chr21:36,767,236-36,767,238); deleting any one gives the same sequence. VCF-style (leftmost placement, unchanged base first): chr21-36767235-CG-C. GRCh37 (hg19) VCF-style: chr21-38139536-CG-C.
Other names: c.1501del, p.Arg501fs (NM_000411.8, NM_001242784.3, NM_001242785.2 and 4 more transcripts); c.1501del (NM_000411.7); short protein forms R501fs, R648fs.
Identifiers: ClinVar variation 1726678 (VCV001726678.3), dbSNP rs2090070597, ClinGen allele CA2388161238.

ClinVar aggregate classification (germline): Likely pathogenic. Review status: criteria provided, multiple submitters, no conflicts (2 of 4 stars). 2 submissions from 2 submitters: Likely pathogenic (2). Last evaluated 2024-06-18.

Conditions:
Holocarboxylase synthetase deficiency. Also called: MULTIPLE CARBOXYLASE DEFICIENCY, EARLY ONSET. Identifiers: Orphanet 79242, MedGen C0268581, MONDO:0009666, OMIM 253270.

Submissions (2):

Natera, Inc.
Classification: Likely pathogenic for Holocarboxylase synthetase deficiency. Last evaluated: 2024-06-18. Review status: criteria provided, single submitter. Criteria: Natera Variant Classification Schema (03/2026). Collection method: clinical testing. Allele origin: germline.
Comment: The c.1501del variant in HLCS is a frameshift variant predicted to shift the reading frame beginning at codon 501 and leads to a stop codon 14 codons downstream. This variant is expected to result in nonsense mediated decay, truncation, or a dysfunctional protein product. This variant is rare in the general population with a frequency below the threshold expected for the associated phenotype(s). Given the available evidence, this variant is classified as Likely Pathogenic.

Myriad Genetics, Inc.
Classification: Likely pathogenic for Holocarboxylase synthetase deficiency. Last evaluated: 2021-12-30. Review status: criteria provided, single submitter. Criteria: Myriad Women's Health Autosomal Recessive and X-Linked Classification Criteria (2021). Collection method: clinical testing. Allele origin: unknown.
Comment: NM_000411.6(HLCS):c.1501delC(R501Gfs*14) is expected to be pathogenic in the context of holocarboxylase synthetase deficiency. This variant is predicted to lead to an abnormal or absent protein product due to the creation of a premature termination codon in HLCS, a gene where loss-of-function variants are known to be pathogenic. Please note: this variant was assessed in the context of healthy population screening.